The following is an entry in ClinVar:

NM_000037.4(ANK1):c.5208T>A (p.Ser1736Arg)

Gene: ANK1 (ankyrin 1; minus strand). Cytogenetic location: 8p11.21.
Variant type: single nucleotide variant.
Coding change: c.5208T>A on transcript NM_000037.4 (MANE Select); coding-DNA position 5208, T replaced by A.
Protein change: p.Ser1736Arg; replaces serine 1736 with arginine.
Molecular consequence: missense variant.
Genome position (GRCh38, 1-based): chr8:41,668,453, A>T on the plus strand (T>A on the coding strand, the complement: ANK1 is on the minus strand). VCF-style: chr8-41668453-A-T. GRCh37 (hg19) VCF-style: chr8-41525971-A-T.
Other names: c.5331T>A, p.Ser1777Arg (NM_001142446.2); c.5208T>A, p.Ser1736Arg (NM_020475.3, NM_020476.3); c.4722T>A, p.Ser1574Arg (NM_020477.3); c.5208T>A (NM_020476.2); short protein forms S1574R, S1736R, S1777R.
Identifiers: ClinVar variation 909742 (VCV000909742.5), dbSNP rs750580242, ClinGen allele CA4727349.

ClinVar aggregate classification (germline): Uncertain significance. Review status: criteria provided, multiple submitters, no conflicts (2 of 4 stars). 3 submissions from 2 submitters: Uncertain significance (3). Last evaluated 2026-01-02.

Conditions:
ANK1-related disorder. Also called: ANK1-related condition.
Hereditary spherocytosis type 1. Also called: Spherocytosis type 1; ANK1-Related Spherocytosis. Identifiers: Orphanet 822, MedGen C2674218, MONDO:0008447, OMIM 182900.
Spherocytosis. Identifiers: MedGen C0553720, HP:0004444.

Allele frequency attached by ClinVar (database versions not stated): ExAC 0.00002; gnomAD exomes 0.00002; gnomAD 0.00007; TOPMed 0.00008.
gnomAD v4.1: 85 of 1,614,058 alleles (0.0053%); highest among the groups gnomAD compares: Non-Finnish European, 0.0068%; no homozygotes.

Submissions (3):

PreventionGenetics, part of Exact Sciences
Classification: Uncertain significance for ANK1-related condition. Last evaluated: 2026-01-02. Review status: criteria provided, single submitter. Criteria: ACMG Guidelines, 2015. Collection method: clinical testing. Allele origin: germline.
Comment: The ANK1 c.5208T>A variant is predicted to result in the amino acid substitution p.Ser1736Arg. To our knowledge, this variant has not been reported in the literature. This variant is reported in 0.0077% of alleles in individuals of European (Non-Finnish) descent in gnomAD. At this time, the clinical significance of this variant is uncertain due to the absence of conclusive functional and genetic evidence.

Illumina Laboratory Services, Illumina
Classification: Uncertain significance for Hereditary spherocytosis type 1. Last evaluated: 2018-01-13. Review status: criteria provided, single submitter. Criteria: ICSL Variant Classification Criteria 13 December 2019. Collection method: clinical testing. Allele origin: germline.

Illumina Laboratory Services, Illumina
Classification: Uncertain significance for Spherocytosis. Last evaluated: 2018-01-13. Review status: criteria provided, single submitter. Criteria: ICSL Variant Classification Criteria 13 December 2019. Collection method: clinical testing. Allele origin: germline.